The following is an entry in ClinVar:

NM_001148.6(ANK2):c.11039C>T (p.Ser3680Leu)

Gene: ANK2 (ankyrin 2; plus strand). Cytogenetic location: 4q26.
Variant type: single nucleotide variant.
Coding change: c.11039C>T on transcript NM_001148.6 (MANE Select); coding-DNA position 11039, C replaced by T.
Protein change: p.Ser3680Leu; replaces serine 3680 with leucine.
Molecular consequence: missense variant.
Genome position (GRCh38, 1-based): chr4:113,367,572, C>T. VCF-style: chr4-113367572-C-T. GRCh37 (hg19) VCF-style: chr4-114288728-C-T.
Other names: c.4757C>T, p.Ser1586Leu (NM_001127493.3); c.4796C>T, p.Ser1599Leu (NM_001354225.2); c.4685C>T, p.Ser1562Leu (NM_001354228.2, NM_001354258.2); c.4763C>T, p.Ser1588Leu (NM_001354230.2); c.4826C>T, p.Ser1609Leu (NM_001354231.2, NM_001354242.2); c.4820C>T, p.Ser1607Leu (NM_001354232.2); c.4781C>T, p.Ser1594Leu (NM_001354235.2, NM_001354246.2, NM_001354265.2); c.4682C>T, p.Ser1561Leu (NM_001354236.2); and 35 more; short protein forms S1467L, S1495L, S1517L, S1529L, S1537L, S1543L, S1548L, S1585L.
Identifiers: ClinVar variation 1469355 (VCV001469355.9), dbSNP rs761223564, ClinGen allele CA3052222.

ClinVar aggregate classification (germline): Uncertain significance. Review status: criteria provided, multiple submitters, no conflicts (2 of 4 stars). 2 submissions from 2 submitters: Uncertain significance (2). Last evaluated 2025-10-01.

Conditions:
Cardiovascular phenotype. Identifiers: MedGen CN230736.
Long QT syndrome (LQTS). Identifiers: MedGen C0023976, MeSH D008133, MONDO:0002442. Disease mechanism: loss of function. Inheritance: Various modes of inheritance.

Allele frequency attached by ClinVar (database versions not stated): ExAC 0.00002; gnomAD exomes 0.00002.
gnomAD v4.1: 15 of 1,613,608 alleles (0.00093%); highest among the groups gnomAD compares: South Asian, 0.0044%; no homozygotes.

Submissions (2):

Ambry Genetics
Classification: Uncertain significance for Cardiovascular phenotype. Last evaluated: 2025-10-01. Review status: criteria provided, single submitter. Criteria: Ambry Variant Classification Scheme 2023. Collection method: clinical testing. Allele origin: germline.
Comment: The p.S3680L variant (also known as c.11039C>T), located in coding exon 42 of the ANK2 gene, results from a C to T substitution at nucleotide position 11039. The serine at codon 3680 is replaced by leucine, an amino acid with dissimilar properties. According to data from gnomAD, the frequency for this variant is above the maximum credible frequency for a cardiac disease-causing variant in this gene based on internally established thresholds (Karczewski et al. Nature. 2020 May;581(7809):434-443; Whiffin et al. Genet Med. 2017 10;19:1151-1158). This amino acid position is highly conserved in available vertebrate species. In addition, this alteration is predicted to be deleterious by in silico analysis. Based on the supporting evidence, the association of this alteration with ANK2-related neurodevelopmental disorder is unknown; however, the association with ANK2-related arrhythmia is unlikely.

Labcorp Genetics (formerly Invitae), Labcorp
Classification: Uncertain significance for Long QT syndrome. Last evaluated: 2023-11-18. Review status: criteria provided, single submitter. Criteria: Invitae Variant Classification Sherloc (09022015). Collection method: clinical testing. Allele origin: germline.
Comment: This sequence change replaces serine, which is neutral and polar, with leucine, which is neutral and non-polar, at codon 3680 of the ANK2 protein (p.Ser3680Leu). This variant is present in population databases (rs761223564, gnomAD 0.006%). This variant has not been reported in the literature in individuals affected with ANK2-related conditions. ClinVar contains an entry for this variant (Variation ID: 1469355). An algorithm developed to predict the effect of missense changes on protein structure and function (PolyPhen-2) suggests that this variant is likely to be disruptive. In summary, the available evidence is currently insufficient to determine the role of this variant in disease. Therefore, it has been classified as a Variant of Uncertain Significance.